The following is an entry in ClinVar:

NM_080424.4(SP110):c.669G>A (p.Val223=)

Genes: SP110 (SP110 nuclear body protein; minus strand), SP140 (SP140 nuclear body protein; plus strand). Cytogenetic location: 2q37.1.
Variant type: single nucleotide variant.
Coding change: c.669G>A on transcript NM_080424.4 (MANE Select); coding-DNA position 669, G replaced by A.
Protein change: p.Val223=; no amino-acid change (valine 223 retained).
Molecular consequence: synonymous variant.
Genome position (GRCh38, 1-based): chr2:230,211,552, C>T on the plus strand (G>A on the coding strand, the complement: SP110 is on the minus strand). VCF-style: chr2-230211552-C-T. GRCh37 (hg19) VCF-style: chr2-231076267-C-T.
Other names: c.669G>A, p.Val223= (NM_001378443.1, NM_001378447.1, NM_004509.5 and 1 more transcripts); c.687G>A, p.Val229= (NM_001378444.1, NM_001378445.1, NM_001185015.2 and 2 more transcripts); c.669G>A (NM_004509.3).
Identifiers: ClinVar variation 2040105 (VCV002040105.4), dbSNP rs376677600, ClinGen allele CA2154762.

ClinVar aggregate classification (germline): Uncertain significance. Review status: criteria provided, single submitter (1 of 4 stars). 2 submissions from 2 submitters: Uncertain significance (1). 1 of the submissions does not count toward it. Last evaluated 2024-12-02.

Conditions:
SP110-related disorder. Also called: SP110-related condition.
Hepatic veno-occlusive disease-immunodeficiency syndrome. Also called: Hepatic Veno-Occlusive Disease with Immunodeficiency. Identifiers: Orphanet 79124, MedGen C1856128, MONDO:0009338, OMIM 235550. Disease mechanism: loss of function.

Allele frequency attached by ClinVar (database versions not stated): gnomAD exomes 0.00002; TOPMed 0.00003; gnomAD 0.00004; ExAC 0.00006; ESP Exome Variant Server 0.00008.
gnomAD v4.1: 29 of 1,596,524 alleles (0.0018%); highest among the groups gnomAD compares: Admixed American, 0.037%; no homozygotes.

Submissions (2):

Labcorp Genetics (formerly Invitae), Labcorp
Classification: Uncertain significance for Hepatic veno-occlusive disease-immunodeficiency syndrome. Last evaluated: 2024-12-02. Review status: criteria provided, single submitter. Criteria: Invitae Variant Classification Sherloc (09022015). Collection method: clinical testing. Allele origin: germline.
Comment: This sequence change affects codon 223 of the SP110 mRNA. It is a 'silent' change, meaning that it does not change the encoded amino acid sequence of the SP110 protein. This variant is present in population databases (rs376677600, gnomAD 0.05%). This variant has not been reported in the literature in individuals affected with SP110-related conditions. ClinVar contains an entry for this variant (Variation ID: 2040105). Algorithms developed to predict the effect of sequence changes on RNA splicing suggest that this variant may create or strengthen a splice site. In summary, the available evidence is currently insufficient to determine the role of this variant in disease. Therefore, it has been classified as a Variant of Uncertain Significance.

PreventionGenetics, part of Exact Sciences
Classification: Likely benign for SP110-related condition. Last evaluated: 2019-06-05. Review status: no assertion criteria provided. Collection method: clinical testing. Allele origin: germline. Not counted in ClinVar's aggregate classification.
Comment: This variant is classified as likely benign based on ACMG/AMP sequence variant interpretation guidelines (Richards et al. 2015 PMID: 25741868, with internal and published modifications).